The following is an entry in ClinVar:

NM_203447.4(DOCK8):c.1964A>G (p.Gln655Arg)

Gene: DOCK8 (dedicator of cytokinesis 8; plus strand). Cytogenetic location: 9p24.3.
Variant type: single nucleotide variant.
Coding change: c.1964A>G on transcript NM_203447.4 (MANE Select); coding-DNA position 1964, A replaced by G.
Protein change: p.Gln655Arg; replaces glutamine 655 with arginine.
Molecular consequence: missense variant.
Genome position (GRCh38, 1-based): chr9:371,523, A>G. VCF-style: chr9-371523-A-G. GRCh37 (hg19) VCF-style: chr9-371523-A-G.
Other names: c.1760A>G, p.Gln587Arg (NM_001190458.2, NM_001193536.2); short protein forms Q587R, Q655R.
Identifiers: ClinVar variation 941741 (VCV000941741.10), dbSNP rs750213861, ClinGen allele CA4958013.

ClinVar aggregate classification (germline): Uncertain significance. Review status: criteria provided, multiple submitters, no conflicts (2 of 4 stars). 2 submissions from 2 submitters: Uncertain significance (2). Last evaluated 2023-10-13.

Conditions:
Hyper-IgE recurrent infection syndrome 3, autosomal recessive. Also called: Autosomal recessive hyper-IgE syndrome due to ZNF341 deficiency; HYPER-IgE SYNDROME 3, AUTOSOMAL RECESSIVE, WITH RECURRENT INFECTIONS. Identifiers: Orphanet 641368, MedGen C4748969, MONDO:0032654, OMIM 618282.
Combined immunodeficiency due to DOCK8 deficiency (HIES2). Also called: HIES autosomal recessive; DOCK8 Deficiency; Hyper-IgE recurrent infection syndrome, autosomal recessive; HYPER-IgE RECURRENT INFECTION SYNDROME 2, AUTOSOMAL RECESSIVE; HYPER-IgE SYNDROME 2, AUTOSOMAL RECESSIVE, WITH RECURRENT INFECTIONS. Identifiers: Orphanet 217390, MedGen C4722305, MONDO:0009478, OMIM 243700.

Allele frequency attached by ClinVar (database versions not stated): gnomAD exomes below 0.00001; ExAC 0.00002.
gnomAD v4.1: 2 of 1,614,248 alleles (0.00012%); highest among the groups gnomAD compares: South Asian, 0.0011%; no homozygotes.

Submissions (2):

Labcorp Genetics (formerly Invitae), Labcorp
Classification: Uncertain significance for Combined immunodeficiency due to DOCK8 deficiency. Last evaluated: 2023-10-13. Review status: criteria provided, single submitter. Criteria: Invitae Variant Classification Sherloc (09022015). Collection method: clinical testing. Allele origin: germline.
Comment: This sequence change replaces glutamine, which is neutral and polar, with arginine, which is basic and polar, at codon 655 of the DOCK8 protein (p.Gln655Arg). This variant is present in population databases (rs750213861, gnomAD 0.003%). This variant has not been reported in the literature in individuals affected with DOCK8-related conditions. ClinVar contains an entry for this variant (Variation ID: 941741). Advanced modeling of protein sequence and biophysical properties (such as structural, functional, and spatial information, amino acid conservation, physicochemical variation, residue mobility, and thermodynamic stability) has been performed at Invitae for this missense variant, however the output from this modeling did not meet the statistical confidence thresholds required to predict the impact of this variant on DOCK8 protein function. In summary, the available evidence is currently insufficient to determine the role of this variant in disease. Therefore, it has been classified as a Variant of Uncertain Significance.

Revvity Omics, Revvity
Classification: Uncertain significance for Combined immunodeficiency due to DOCK8 deficiency. Last evaluated: 2019-06-18. Review status: criteria provided, single submitter. Criteria: ACMG Guidelines, 2015. Collection method: clinical testing. Allele origin: germline.